The following is an entry in ClinVar:

NM_001379500.1(COL18A1):c.107-11475G>A

Gene: COL18A1 (collagen type XVIII alpha 1 chain; plus strand). Cytogenetic location: 21q22.3.
Variant type: single nucleotide variant.
Coding change: c.107-11475G>A on transcript NM_001379500.1 (MANE Select); 11475 bases into the intron before coding-DNA position 107, G replaced by A.
Molecular consequence: intron variant. On other transcripts: missense variant (1).
Genome position (GRCh38, 1-based): chr21:45,456,767, G>A. VCF-style: chr21-45456767-G-A. GRCh37 (hg19) VCF-style: chr21-46876681-G-A.
Other names: c.1237G>A, p.Glu413Lys (NM_130444.3); c.646+591G>A (NM_030582.4); short protein forms E413K.
Identifiers: ClinVar variation 4998421 (VCV004998421.1).

ClinVar aggregate classification (germline): Uncertain significance (1 of 4 stars; one submission).

Conditions:
COL18A1-related disorder. Also called: COL18A1-related condition; COL18A1-related disorders.

gnomAD v4.1: 118 of 1,541,886 alleles (0.0077%); highest among the groups gnomAD compares: East Asian, 0.017%; no homozygotes.

Submission:

PreventionGenetics, part of Exact Sciences
Classification: Uncertain significance for COL18A1-related condition. Last evaluated: 2026-05-19. Review status: criteria provided, single submitter. Criteria: ACMG Guidelines, 2015. Collection method: clinical testing. Allele origin: germline.
Comment: The COL18A1 c.1237G>A variant is predicted to result in the amino acid substitution p.Glu413Lys. In the primary transcript (NM_001379500.1), this variant is found within an intronic region (c.107-11475G>A). To our knowledge, this variant has not been reported in the literature. This variant is reported in 0.033% of alleles in individuals of East Asian descent in gnomAD. At this time, the clinical significance of this variant is uncertain due to the absence of conclusive functional and genetic evidence.